The following is an entry in ClinVar:

NM_001372076.1(PAX9):c.530C>T (p.Pro177Leu)

Gene: PAX9 (paired box 9; plus strand). Cytogenetic location: 14q13.3.
Variant type: single nucleotide variant.
Coding change: c.530C>T on transcript NM_001372076.1 (MANE Select); coding-DNA position 530, C replaced by T.
Protein change: p.Pro177Leu; replaces proline 177 with leucine.
Molecular consequence: missense variant.
Genome position (GRCh38, 1-based): chr14:36,663,422, C>T. VCF-style: chr14-36663422-C-T. GRCh37 (hg19) VCF-style: chr14-37132627-C-T.
Other names: c.530C>T, p.Pro177Leu (NM_006194.4); short protein forms P177L.
Identifiers: ClinVar variation 3711817 (VCV003711817.2).

ClinVar aggregate classification (germline): Uncertain significance (1 of 4 stars; one submission).

Conditions:
Hypodontia. Also called: Partial congenital absence of teeth; TOOTH AGENESIS, FAMILIAL; Tooth agenesis, selective. Identifiers: Orphanet 99798, MedGen C0020608, MONDO:0005486, HP:0000668. Disease mechanism: loss of function.

Submission:

Labcorp Genetics (formerly Invitae), Labcorp
Classification: Uncertain significance for Hypodontia. Last evaluated: 2024-12-09. Review status: criteria provided, single submitter. Criteria: Invitae Variant Classification Sherloc (09022015). Collection method: clinical testing. Allele origin: germline.
Comment: This sequence change replaces proline, which is neutral and non-polar, with leucine, which is neutral and non-polar, at codon 177 of the PAX9 protein (p.Pro177Leu). This variant is present in population databases (rs752223751, gnomAD 0.002%). This variant has not been reported in the literature in individuals affected with PAX9-related conditions. Invitae Evidence Modeling of protein sequence and biophysical properties (such as structural, functional, and spatial information, amino acid conservation, physicochemical variation, residue mobility, and thermodynamic stability) indicates that this missense variant is not expected to disrupt PAX9 protein function with a negative predictive value of 80%. In summary, the available evidence is currently insufficient to determine the role of this variant in disease. Therefore, it has been classified as a Variant of Uncertain Significance.